The following is an entry in ClinVar:

NM_198576.4(AGRN):c.2699C>T (p.Thr900Ile)

Gene: AGRN (agrin; plus strand). Cytogenetic location: 1p36.33.
Variant type: single nucleotide variant.
Coding change: c.2699C>T on transcript NM_198576.4 (MANE Select); coding-DNA position 2699, C replaced by T.
Protein change: p.Thr900Ile; replaces threonine 900 with isoleucine.
Molecular consequence: missense variant.
Genome position (GRCh38, 1-based): chr1:1,045,982, C>T. VCF-style: chr1-1045982-C-T. GRCh37 (hg19) VCF-style: chr1-981362-C-T.
Other names: c.2699C>T, p.Thr900Ile (NM_001305275.2); c.2384C>T, p.Thr795Ile (NM_001364727.2); short protein forms T900I, T795I.
Identifiers: ClinVar variation 2197068 (VCV002197068.2), dbSNP rs748026509, ClinGen allele CA16757524.

ClinVar aggregate classification (germline): Uncertain significance (1 of 4 stars; one submission).

Conditions:
Congenital myasthenic syndrome 8. Also called: Myasthenic syndrome, congenital, 8, with pre- and postsynaptic defects; MYASTHENIC SYNDROME, CONGENITAL, DUE TO AGRIN DEFICIENCY. Identifiers: Orphanet 590, MedGen C3808739, MONDO:0014052, OMIM 615120.

gnomAD v4.1: 15 of 1,613,904 alleles (0.00093%); highest among the groups gnomAD compares: Non-Finnish European, 0.00093%; no homozygotes.

Submission:

Labcorp Genetics (formerly Invitae), Labcorp
Classification: Uncertain significance for Congenital myasthenic syndrome 8. Last evaluated: 2022-10-04. Review status: criteria provided, single submitter. Criteria: Invitae Variant Classification Sherloc (09022015). Collection method: clinical testing. Allele origin: germline.
Comment: This variant has not been reported in the literature in individuals affected with AGRN-related conditions. This variant is present in population databases (rs748026509, gnomAD 0.005%). This sequence change replaces threonine, which is neutral and polar, with isoleucine, which is neutral and non-polar, at codon 900 of the AGRN protein (p.Thr900Ile). Algorithms developed to predict the effect of missense changes on protein structure and function are either unavailable or do not agree on the potential impact of this missense change (SIFT: "Deleterious"; PolyPhen-2: "Possibly Damaging"; Align-GVGD: "Class C0"). In summary, the available evidence is currently insufficient to determine the role of this variant in disease. Therefore, it has been classified as a Variant of Uncertain Significance.